The following is an entry in ClinVar:

NM_001008537.3(NEXMIF):c.1410C>T (p.Gly470=)

Gene: NEXMIF (neurite extension and migration factor; minus strand). Cytogenetic location: Xq13.3.
Variant type: single nucleotide variant.
Coding change: c.1410C>T on transcript NM_001008537.3 (MANE Select); coding-DNA position 1410, C replaced by T.
Protein change: p.Gly470=; no amino-acid change (glycine 470 retained).
Molecular consequence: synonymous variant.
Genome position (GRCh38, 1-based): chrX:74,743,147, G>A on the plus strand (C>T on the coding strand, the complement: NEXMIF is on the minus strand). VCF-style: chrX-74743147-G-A. GRCh37 (hg19) VCF-style: chrX-73962982-G-A.
Identifiers: ClinVar variation 2660936 (VCV002660936.24), dbSNP rs762687643, ClinGen allele CA517467848.
Genomic context (GRCh38, chrX:74,743,147, plus strand): 5'-TTCACTGTATCTGACTTTTCTCTTGGCTCGCAGCCCATAGTTCTGTTGGGAGGAGGAGCT[G>A]CCAGAATTAGTGTCCCGAGCCATATAGCGACTACAGTCCTTGATCTCACCCATAGCATCA-3'
Protein context (NP_001008537.1, residues 460-480): SRYMARDTNS[Gly470=]SSSSQQNYGL

ClinVar aggregate classification (germline): Likely benign (1 of 4 stars; one submission).

Submission:

CeGaT Center for Human Genetics Tuebingen
Classification: Likely benign. Last evaluated: 2023-10-01. Review status: criteria provided, single submitter. Criteria: CeGaT Center For Human Genetics Tuebingen Variant Classification Criteria Version 2. Collection method: clinical testing. Allele origin: germline. Affected: yes. Observed: 1 variant allele.
Comment: NEXMIF: PM2:Supporting, BP4, BP7